The following is an entry in ClinVar:

NM_001308093.3(GATA4):c.275C>A (p.Ala92Glu)

Gene: GATA4 (GATA binding protein 4). Cytogenetic location: 8p23.1.
Variant type: single nucleotide variant.
Coding change: c.275C>A on transcript NM_001308093.3 (MANE Select); coding-DNA position 275, C replaced by A.
Protein change: p.Ala92Glu; replaces alanine 92 with glutamic acid.
Molecular consequence: missense variant. On other transcripts: intron variant (3).
Genome position (GRCh38, 1-based): chr8:11,708,587, C>A. VCF-style: chr8-11708587-C-A. GRCh37 (hg19) VCF-style: chr8-11566096-C-A.
Other names: c.275C>A, p.Ala92Glu (NM_002052.5); c.-6+7809C>A (NM_001308094.2); c.-3+573C>A (NM_001374274.1); c.-3+4283C>A (NM_001374273.1); short protein forms A92E.
Identifiers: ClinVar variation 2807418 (VCV002807418.3), dbSNP rs2486780265, ClinGen allele CA370309293.

ClinVar aggregate classification (germline): Uncertain significance (1 of 4 stars; one submission).

Conditions:
Atrioventricular septal defect 4 (AVSD4). Identifiers: MedGen C3280781, MONDO:0013747, OMIM 614430.

Submission:

Labcorp Genetics (formerly Invitae), Labcorp
Classification: Uncertain significance for Atrioventricular septal defect 4. Last evaluated: 2022-11-30. Review status: criteria provided, single submitter. Criteria: Invitae Variant Classification Sherloc (09022015). Collection method: clinical testing. Allele origin: germline.
Comment: In summary, the available evidence is currently insufficient to determine the role of this variant in disease. Therefore, it has been classified as a Variant of Uncertain Significance. Advanced modeling of protein sequence and biophysical properties (such as structural, functional, and spatial information, amino acid conservation, physicochemical variation, residue mobility, and thermodynamic stability) performed at Invitae indicates that this missense variant is not expected to disrupt GATA4 protein function. This variant has not been reported in the literature in individuals affected with GATA4-related conditions. This variant is not present in population databases (gnomAD no frequency). This sequence change replaces alanine, which is neutral and non-polar, with glutamic acid, which is acidic and polar, at codon 92 of the GATA4 protein (p.Ala92Glu).